The following is an entry in ClinVar:

NM_003900.5(SQSTM1):c.1180C>G (p.Leu394Val)

Gene: SQSTM1 (sequestosome 1; plus strand). Cytogenetic location: 5q35.3.
Variant type: single nucleotide variant.
Coding change: c.1180C>G on transcript NM_003900.5 (MANE Select); coding-DNA position 1180, C replaced by G.
Protein change: p.Leu394Val; replaces leucine 394 with valine.
Molecular consequence: missense variant.
Genome position (GRCh38, 1-based): chr5:179,836,450, C>G. VCF-style: chr5-179836450-C-G. GRCh37 (hg19) VCF-style: chr5-179263450-C-G.
Other names: c.928C>G, p.Leu310Val (NM_001142298.2, NM_001142299.2); short protein forms L310V, L394V.
Identifiers: ClinVar variation 4782659 (VCV004782659.1).

ClinVar aggregate classification (germline): Uncertain significance (1 of 4 stars; one submission).

Conditions:
Frontotemporal dementia and/or amyotrophic lateral sclerosis 1 (FTDALS1). Also called: C9orf72 Frontotemporal Dementia and/or Amyotrophic Lateral Sclerosis; Frontotemporal dementia with motor neuron disease 1. Identifiers: Orphanet 275872, MedGen C5779877, MONDO:0007105, OMIM 105550.
Paget disease of bone 2, early-onset (PDB2). Also called: Paget disease of bone 2. Identifiers: MedGen C4085251, MONDO:0011183, OMIM 602080.

Submission:

Labcorp Genetics (formerly Invitae), Labcorp
Classification: Uncertain significance for Paget disease of bone 2, early-onset; Frontotemporal dementia and/or amyotrophic lateral sclerosis 1. Last evaluated: 2025-03-26. Review status: criteria provided, single submitter. Criteria: Invitae Variant Classification Sherloc (09022015). Collection method: clinical testing. Allele origin: germline.
Comment: This sequence change replaces leucine, which is neutral and non-polar, with valine, which is neutral and non-polar, at codon 394 of the SQSTM1 protein (p.Leu394Val). This variant is present in population databases (no rsID available, gnomAD 0.003%). This variant has not been reported in the literature in individuals affected with SQSTM1-related conditions. Invitae Evidence Modeling of protein sequence and biophysical properties (such as structural, functional, and spatial information, amino acid conservation, physicochemical variation, residue mobility, and thermodynamic stability) indicates that this missense variant is not expected to disrupt SQSTM1 protein function with a negative predictive value of 80%. In summary, the available evidence is currently insufficient to determine the role of this variant in disease. Therefore, it has been classified as a Variant of Uncertain Significance.